The following is an entry in ClinVar:

NM_001009944.3(PKD1):c.5216G>C (p.Ser1739Thr)

Gene: PKD1 (polycystin 1, transient receptor potential channel interacting; minus strand). Cytogenetic location: 16p13.3.
Variant type: single nucleotide variant.
Coding change: c.5216G>C on transcript NM_001009944.3 (MANE Select); coding-DNA position 5216, G replaced by C.
Protein change: p.Ser1739Thr; replaces serine 1739 with threonine.
Molecular consequence: missense variant.
Genome position (GRCh38, 1-based): chr16:2,109,951, C>G on the plus strand (G>C on the coding strand, the complement: PKD1 is on the minus strand). VCF-style: chr16-2109951-C-G. GRCh37 (hg19) VCF-style: chr16-2159952-C-G.
Other names: c.5216G>C, p.Ser1739Thr (NM_000296.4); short protein forms S1739T.
Identifiers: ClinVar variation 1311797 (VCV001311797.2), dbSNP rs772457591, ClinGen allele CA7832076.

ClinVar aggregate classification (germline): Uncertain significance (1 of 4 stars; one submission).

Allele frequency attached by ClinVar (database versions not stated): ExAC 0.00001; gnomAD 0.00001; gnomAD exomes 0.00001; TOPMed 0.00001.
gnomAD v4.1: 18 of 1,610,108 alleles (0.0011%); highest among the groups gnomAD compares: Admixed American, 0.0017%; no homozygotes.

Submission:

GeneDx
Classification: Uncertain significance. Last evaluated: 2020-01-09. Review status: criteria provided, single submitter. Criteria: GeneDx Variant Classification Process June 2021. Collection method: clinical testing. Allele origin: germline. Affected: yes.
Comment: Not observed at a significant frequency in large population cohorts (Lek et al., 2016); In silico analysis, which includes protein predictors and evolutionary conservation, supports that this variant does not alter protein structure/function; Has not been previously published as pathogenic or benign to our knowledge